The following is an entry in ClinVar:

ClinVar aggregate classification (germline): Uncertain significance (1 of 4 stars; one submission).

gnomAD v4.1: 4 of 1,614,198 alleles (0.00025%); highest among the groups gnomAD compares: Non-Finnish European, 0.00034%; no homozygotes.

Submission:

Labcorp Genetics (formerly Invitae), Labcorp
Classification: Uncertain significance. Last evaluated: 2023-10-24. Review status: criteria provided, single submitter. Criteria: Invitae Variant Classification Sherloc (09022015). Collection method: clinical testing. Allele origin: germline.
Comment: This sequence change replaces glutamic acid, which is acidic and polar, with lysine, which is basic and polar, at codon 537 of the LZTS1 protein (p.Glu537Lys). This variant is present in population databases (no rsID available, gnomAD 0.0009%). This variant has not been reported in the literature in individuals affected with LZTS1-related conditions. Advanced modeling of protein sequence and biophysical properties (such as structural, functional, and spatial information, amino acid conservation, physicochemical variation, residue mobility, and thermodynamic stability) has been performed at Invitae for this missense variant, however the output from this modeling did not meet the statistical confidence thresholds required to predict the impact of this variant on LZTS1 protein function. In summary, the available evidence is currently insufficient to determine the role of this variant in disease. Therefore, it has been classified as a Variant of Uncertain Significance.

NM_021020.5(LZTS1):c.1609G>A (p.Glu537Lys)

Gene: LZTS1 (leucine zipper tumor suppressor 1; minus strand). Cytogenetic location: 8p21.3.
Variant type: single nucleotide variant.
Coding change: c.1609G>A on transcript NM_021020.5 (MANE Select); coding-DNA position 1609, G replaced by A.
Protein change: p.Glu537Lys; replaces glutamic acid 537 with lysine.
Molecular consequence: missense variant.
Genome position (GRCh38, 1-based): chr8:20,249,904, C>T on the plus strand (G>A on the coding strand, the complement: LZTS1 is on the minus strand). VCF-style: chr8-20249904-C-T. GRCh37 (hg19) VCF-style: chr8-20107415-C-T.
Other names: c.1609G>A, p.Glu537Lys (NM_001362884.2); short protein forms E537K.
Identifiers: ClinVar variation 2844333 (VCV002844333.3), dbSNP rs1563847524, ClinGen allele CA370475600.